The following is an entry in ClinVar:

NM_001197104.2(KMT2A):c.8011del (p.Ala2671fs)

Gene: KMT2A (lysine methyltransferase 2A; plus strand). Cytogenetic location: 11q23.3.
Variant type: Deletion.
Coding change: c.8011del on transcript NM_001197104.2 (MANE Select); coding-DNA position 8011, one base deleted (G; older notation c.8011delG).
Protein change: p.Ala2671fs; shifts the reading frame from alanine 2671.
Molecular consequence: frameshift variant.
Genome position (GRCh38, 1-based): chr11:118,503,903, G deleted; the last of 4 consecutive G bases (chr11:118,503,900-118,503,903); deleting any one gives the same sequence. VCF-style (leftmost placement, unchanged base first): chr11-118503899-TG-T. GRCh37 (hg19) VCF-style: chr11-118374614-TG-T.
Other names: c.8101del, p.Ala2701fs (NM_001412597.1); c.8002del, p.Ala2668fs (NM_005933.4); short protein forms A2701fs, A2668fs, A2671fs.
Identifiers: ClinVar variation 4623049 (VCV004623049.1).

ClinVar aggregate classification (germline): Pathogenic (1 of 4 stars; one submission).

Conditions:
Inborn genetic diseases. Identifiers: MedGen C0950123, MeSH D030342.

Submission:

Ambry Genetics
Classification: Pathogenic for Inborn genetic diseases. Last evaluated: 2025-10-22. Review status: criteria provided, single submitter. Criteria: Ambry Variant Classification Scheme 2023. Collection method: clinical testing. Allele origin: germline.
Comment: The c.8011delG alteration, located in exon 27 (coding exon 27) of the KMT2A gene, consists of a deletion of one nucleotide at position 8011, causing a translational frameshift with a predicted alternate stop codon after 4 amino acids. This alteration is expected to result in loss of function by premature protein truncation or nonsense-mediated mRNA decay. This variant was not reported in population-based cohorts in the Genome Aggregation Database (gnomAD). Based on the available evidence, this alteration is classified as pathogenic.